The following is an entry in ClinVar:

ClinVar aggregate classification (germline): Conflicting classifications of pathogenicity. Review status: criteria provided, conflicting classifications (1 of 4 stars). 3 submissions from 3 submitters: Uncertain significance (2); Benign (1). Last evaluated 2026-04-06.

Conditions:
Adams-Oliver syndrome 5 (AOS5). Identifiers: Orphanet 974, MedGen C4014970, MONDO:0014459, OMIM 616028.
Familial thoracic aortic aneurysm and aortic dissection (TAAD). Also called: Thoracic aortic aneurysms and dissections. Identifiers: Orphanet 91387, MedGen C4707243, MONDO:0019625.

Allele frequency attached by ClinVar (database versions not stated): TOPMed 0.00003; gnomAD exomes 0.00001; ExAC 0.00002; gnomAD 0.00003; ESP Exome Variant Server 0.00008.
gnomAD v4.1: 21 of 1,602,268 alleles (0.0013%); highest among the groups gnomAD compares: African/African-American, 0.008%; no homozygotes.

Submissions (3):

Ambry Genetics
Classification: Uncertain significance for Familial thoracic aortic aneurysm and aortic dissection. Last evaluated: 2026-04-06. Review status: criteria provided, single submitter. Criteria: Ambry Variant Classification Scheme 2023. Collection method: clinical testing. Allele origin: germline.
Comment: The c.478G>A (p.A160T) alteration is located in exon 4 (coding exon 4) of the NOTCH1 gene. This alteration results from a G to A substitution at nucleotide position 478, causing the alanine (A) at amino acid position 160 to be replaced by a threonine (T). Based on data from gnomAD, the A allele has an overall frequency of 0.001% (2/255458) total alleles studied. The highest observed frequency was 0.009% (2/21672) of African alleles. Based on insufficient or conflicting evidence, the clinical significance of this alteration remains unclear.

GeneDx
Classification: Uncertain significance. Last evaluated: 2023-12-20. Review status: criteria provided, single submitter. Criteria: GeneDx Variant Classification Process June 2021. Collection method: clinical testing. Allele origin: germline. Affected: yes.
Comment: Not observed at significant frequency in large population cohorts (gnomAD); In silico analysis supports that this missense variant does not alter protein structure/function; Has not been previously published as pathogenic or benign to our knowledge

Labcorp Genetics (formerly Invitae), Labcorp
Classification: Benign for Adams-Oliver syndrome 5. Last evaluated: 2022-02-18. Review status: criteria provided, single submitter. Criteria: Invitae Variant Classification Sherloc (09022015). Collection method: clinical testing. Allele origin: germline.

NM_017617.5(NOTCH1):c.478G>A (p.Ala160Thr)

Gene: NOTCH1 (notch receptor 1; minus strand). Cytogenetic location: 9q34.3.
Variant type: single nucleotide variant.
Coding change: c.478G>A on transcript NM_017617.5 (MANE Select); coding-DNA position 478, G replaced by A.
Protein change: p.Ala160Thr; replaces alanine 160 with threonine.
Molecular consequence: missense variant.
Genome position (GRCh38, 1-based): chr9:136,523,114, C>T on the plus strand (G>A on the coding strand, the complement: NOTCH1 is on the minus strand). VCF-style: chr9-136523114-C-T. GRCh37 (hg19) VCF-style: chr9-139417566-C-T.
Other names: c.478G>A (NM_017617.3); short protein forms A160T.
Identifiers: ClinVar variation 2172824 (VCV002172824.6), dbSNP rs376244873, ClinGen allele CA5342143.